The following is an entry in ClinVar:

ClinVar aggregate classification (germline): Conflicting classifications of pathogenicity. Review status: criteria provided, conflicting classifications (1 of 4 stars). 2 submissions from 2 submitters: Uncertain significance (1); Likely benign (1). Last evaluated 2025-08-13.

Conditions:
Hereditary cancer-predisposing syndrome. Also called: Tumor predisposition; Hereditary neoplastic syndrome; Neoplastic Syndromes, Hereditary; Hereditary Cancer Syndrome. Identifiers: Orphanet 140162, MedGen C0027672, MeSH D009386, MONDO:0015356.
Gorlin syndrome. Also called: Nevoid Basal Cell Carcinoma Syndrome; Basal cell nevus syndrome. Identifiers: Orphanet 377, MedGen C0004779, MONDO:0007187.

gnomAD v4.1: 1 of 1,614,226 alleles (0.000062%); no homozygotes.

Submissions (2):

Labcorp Genetics (formerly Invitae), Labcorp
Classification: Uncertain significance for Gorlin syndrome. Last evaluated: 2025-08-13. Review status: criteria provided, single submitter. Criteria: Invitae Variant Classification Sherloc (09022015). Collection method: clinical testing. Allele origin: germline.
Comment: This sequence change replaces leucine, which is neutral and non-polar, with valine, which is neutral and non-polar, at codon 1004 of the PTCH1 protein (p.Leu1004Val). This variant is not present in population databases (gnomAD no frequency). This variant has not been reported in the literature in individuals affected with PTCH1-related conditions. ClinVar contains an entry for this variant (Variation ID: 220652). Invitae Evidence Modeling of protein sequence and biophysical properties (such as structural, functional, and spatial information, amino acid conservation, physicochemical variation, residue mobility, and thermodynamic stability) indicates that this missense variant is not expected to disrupt PTCH1 protein function with a negative predictive value of 95%. In summary, the available evidence is currently insufficient to determine the role of this variant in disease. Therefore, it has been classified as a Variant of Uncertain Significance.

Ambry Genetics
Classification: Likely benign for Hereditary cancer-predisposing syndrome. Last evaluated: 2023-03-08. Review status: criteria provided, single submitter. Criteria: Ambry Variant Classification Scheme 2023. Collection method: clinical testing. Allele origin: germline.

NM_000264.5(PTCH1):c.3010C>G (p.Leu1004Val)

Gene: PTCH1 (patched 1; minus strand). Cytogenetic location: 9q22.32.
Variant type: single nucleotide variant.
Coding change: c.3010C>G on transcript NM_000264.5 (MANE Select); coding-DNA position 3010, C replaced by G.
Protein change: p.Leu1004Val; replaces leucine 1004 with valine.
Molecular consequence: missense variant. On other transcripts: non-coding transcript variant (1).
Genome position (GRCh38, 1-based): chr9:95,458,171, G>C on the plus strand (C>G on the coding strand, the complement: PTCH1 is on the minus strand). VCF-style: chr9-95458171-G-C. GRCh37 (hg19) VCF-style: chr9-98220453-G-C.
Other names: c.2812C>G, p.Leu938Val (NM_001083602.3); c.3007C>G, p.Leu1003Val (NM_001083603.3); c.2557C>G, p.Leu853Val (NM_001083604.3, NM_001083605.3, NM_001083606.3 and 1 more transcripts); c.2854C>G, p.Leu952Val (NM_001354918.2); short protein forms L938V, L1004V, L853V, L952V, L1003V.
Identifiers: ClinVar variation 220652 (VCV000220652.15), dbSNP rs864622620, ClinGen allele CA350749.